The following is an entry in ClinVar:

NM_004982.4(KCNJ8):c.325G>A (p.Gly109Arg)

Genes: KCNJ8 (potassium inwardly rectifying channel subfamily J member 8; minus strand), KCNJ8-AS1 (KCNJ8 antisense RNA 1; plus strand). Cytogenetic location: 12p12.1.
Variant type: single nucleotide variant.
Coding change: c.325G>A on transcript NM_004982.4 (MANE Select); coding-DNA position 325, G replaced by A.
Protein change: p.Gly109Arg; replaces glycine 109 with arginine.
Molecular consequence: missense variant.
Genome position (GRCh38, 1-based): chr12:21,773,292, C>T on the plus strand (G>A on the coding strand, the complement: KCNJ8 is on the minus strand). VCF-style: chr12-21773292-C-T. GRCh37 (hg19) VCF-style: chr12-21926226-C-T.
Other names: short protein forms G109R.
Identifiers: ClinVar variation 3893357 (VCV003893357.3).

ClinVar aggregate classification (germline): Uncertain significance. Review status: criteria provided, multiple submitters, no conflicts (2 of 4 stars). 2 submissions from 2 submitters: Uncertain significance (2). Last evaluated 2026-03-29.

Conditions:
Cardiovascular phenotype. Identifiers: MedGen CN230736.

Submissions (2):

Ambry Genetics
Classification: Uncertain significance for Cardiovascular phenotype. Last evaluated: 2026-03-29. Review status: criteria provided, single submitter. Criteria: Ambry Variant Classification Scheme 2023. Collection method: clinical testing. Allele origin: germline.
Comment: The p.G109R variant (also known as c.325G>A), located in coding exon 1 of the KCNJ8 gene, results from a G to A substitution at nucleotide position 325. The glycine at codon 109 is replaced by arginine, an amino acid with dissimilar properties. This amino acid position is conserved. In addition, this alteration is predicted to be tolerated by in silico analysis. Based on the available evidence, the clinical significance of this variant remains unclear.

GeneDx
Classification: Uncertain significance. Last evaluated: 2024-03-29. Review status: criteria provided, single submitter. Criteria: GeneDx Variant Classification Process June 2021. Collection method: clinical testing. Allele origin: germline. Affected: yes.
Comment: In silico analysis supports that this missense variant does not alter protein structure/function; Has not been previously published as pathogenic or benign to our knowledge; Variants in candidate genes are classified as variants of uncertain significance in accordance with ACMG guidelines (PMID: 25741868)